The following is an entry in ClinVar:

NM_001130987.2(DYSF):c.5210C>T (p.Pro1737Leu)

Gene: DYSF (dysferlin; plus strand). Cytogenetic location: 2p13.2.
Variant type: single nucleotide variant.
Coding change: c.5210C>T on transcript NM_001130987.2 (MANE Select); coding-DNA position 5210, C replaced by T.
Protein change: p.Pro1737Leu; replaces proline 1737 with leucine.
Molecular consequence: missense variant.
Genome position (GRCh38, 1-based): chr2:71,665,197, C>T. VCF-style: chr2-71665197-C-T. GRCh37 (hg19) VCF-style: chr2-71892327-C-T.
Other names: NM_003494.4:c.5093C>T; c.5096C>T, p.Pro1699Leu (NM_001130455.2); c.5051C>T, p.Pro1684Leu (NM_001130976.2); c.5114C>T, p.Pro1705Leu (NM_001130977.2); c.5156C>T, p.Pro1719Leu (NM_001130978.2); c.5186C>T, p.Pro1729Leu (NM_001130979.2); c.5144C>T, p.Pro1715Leu (NM_001130980.2); c.5207C>T, p.Pro1736Leu (NM_001130981.2); and 6 more; short protein forms P1684L, P1685L, P1698L, P1699L, P1705L, P1706L, P1715L, P1716L.
Identifiers: ClinVar variation 4819969 (VCV004819969.1).
Genomic context (GRCh38, chr2:71,665,197, plus strand): 5'-TCTATGTCTTGTGCTTGCTCCTCAGCTCTGGACCGAACCAGTGGCGGGACCAGCTCCGCC[C>T]CTCCCAGCTCCTCCACCTCTTCTGCCAGCAGCATAGAGTCAAGGCACCTGTGTACCGGAC-3'
Protein context (NP_001124459.1, residues 1727-1747): GPNQWRDQLR[Pro1737Leu]SQLLHLFCQQ

ClinVar aggregate classification (germline): Likely pathogenic (3 of 4 stars; one submission).

Conditions:
Autosomal recessive limb-girdle muscular dystrophy. Identifiers: Orphanet 102015, MedGen C2931907, MONDO:0015152.

Submission:

ClinGen Limb Girdle Muscular Dystrophy Variant Curation Expert Panel, ClinGen
Classification: Likely pathogenic for Autosomal recessive limb-girdle muscular dystrophy. Last evaluated: 2026-01-23. Review status: reviewed by expert panel. Criteria: ClinGen LGMD VCEP ACMG Specifications DYSF V2.0.0. Collection method: curation. Allele origin: germline. Inheritance: Autosomal recessive inheritance.
Comment: The NM_003494.4: c.5093C>T variant in DYSF, which is also known as NM_001130987.2: c.5210C>T p.(Pro1737Leu), is a missense variant predicted to cause substitution of proline to leucine at amino acid 1698, p.(Pro1698Leu). This variant has been observed in one individual with suspected LGMD with a second pathogenic variant in unknown phase (NM_003494.4: c.2875C>T p.(Arg959Trp), 0.5 pts, PMID: 33927379; PM3_Supporting). This individual also had absent dysferlin expression in muscle, which is highly specific for DYSF-related LGMD (PP4_Strong). This variant is absent in gnomAD v4.1.0 (PM2_Supporting). The computational predictor REVEL gives a score of 0.87, which is above the LGMD VCEP threshold of ≥0.70, evidence that correlates with impact to DYSF function (PP3). In summary, this variant is classified as Likely Pathogenic for autosomal recessive limb girdle muscular dystrophy based on the ACMG/AMP criteria applied, as specified by the ClinGen LGMD VCEP (specifications v2.0.0; 01/23/2026): PM3_Supporting, PP4_Strong, PP3, PM2_Supporting.